The following is an entry in ClinVar:

ClinVar aggregate classification (germline): Uncertain significance. Review status: criteria provided, multiple submitters, no conflicts (2 of 4 stars). 2 submissions from 2 submitters: Uncertain significance (2). Last evaluated 2024-09-21.

Allele frequency attached by ClinVar (database versions not stated): gnomAD 0.00001; ExAC 0.00002; ESP Exome Variant Server 0.00008.
gnomAD v4.1: 2 of 1,613,398 alleles (0.00012%); highest among the groups gnomAD compares: African/African-American, 0.0027%; no homozygotes.

Submissions (2):

Labcorp Genetics (formerly Invitae), Labcorp
Classification: Uncertain significance. Last evaluated: 2024-09-21. Review status: criteria provided, single submitter. Criteria: Invitae Variant Classification Sherloc (09022015). Collection method: clinical testing. Allele origin: germline.
Comment: This sequence change replaces serine, which is neutral and polar, with arginine, which is basic and polar, at codon 1076 of the MICAL1 protein (p.Ser1076Arg). This variant is present in population databases (rs145926073, gnomAD 0.008%). This variant has not been reported in the literature in individuals affected with MICAL1-related conditions. ClinVar contains an entry for this variant (Variation ID: 2401538). An algorithm developed to predict the effect of missense changes on protein structure and function outputs the following: PolyPhen-2: "Benign". The arginine amino acid residue is found in multiple mammalian species, which suggests that this missense change does not adversely affect protein function. In summary, the available evidence is currently insufficient to determine the role of this variant in disease. Therefore, it has been classified as a Variant of Uncertain Significance.

Ambry Genetics
Classification: Uncertain significance. Last evaluated: 2021-12-07. Review status: criteria provided, single submitter. Criteria: Ambry Variant Classification Scheme 2023. Collection method: clinical testing. Allele origin: germline.

NM_022765.4(MICAL1):c.3171C>G (p.Ser1057Arg)

Gene: MICAL1 (microtubule associated monooxygenase, calponin and LIM domain containing 1; minus strand). Cytogenetic location: 6q21.
Variant type: single nucleotide variant.
Coding change: c.3171C>G on transcript NM_022765.4 (MANE Select); coding-DNA position 3171, C replaced by G.
Protein change: p.Ser1057Arg; replaces serine 1057 with arginine.
Molecular consequence: missense variant.
Genome position (GRCh38, 1-based): chr6:109,444,224, G>C on the plus strand (C>G on the coding strand, the complement: MICAL1 is on the minus strand). VCF-style: chr6-109444224-G-C. GRCh37 (hg19) VCF-style: chr6-109765427-G-C.
Other names: c.2913C>G, p.Ser971Arg (NM_001159291.2); c.3228C>G, p.Ser1076Arg (NM_001286613.2); short protein forms S1057R, S1076R, S971R.
Identifiers: ClinVar variation 2401538 (VCV002401538.4), dbSNP rs145926073, ClinGen allele CA3952628.